The following is an entry in ClinVar:

ClinVar aggregate classification (germline): Uncertain significance (1 of 4 stars; one submission).

Conditions:
Dilated cardiomyopathy 1J (CMD1J). Also called: CARDIOMYOPATHY, DILATED, WITH SENSORINEURAL HEARING LOSS, AUTOSOMAL DOMINANT. Identifiers: Orphanet 217622, MedGen C1854368, MONDO:0011541, OMIM 605362.

Allele frequency attached by ClinVar (database versions not stated): gnomAD exomes below 0.00001; TOPMed below 0.00001; gnomAD 0.00001.
gnomAD v4.1: 2 of 1,613,694 alleles (0.00012%); highest among the groups gnomAD compares: Non-Finnish European, 0.00017%; no homozygotes.

Submission:

Labcorp Genetics (formerly Invitae), Labcorp
Classification: Uncertain significance for Dilated cardiomyopathy 1J. Last evaluated: 2022-09-26. Review status: criteria provided, single submitter. Criteria: Invitae Variant Classification Sherloc (09022015). Collection method: clinical testing. Allele origin: germline.
Comment: This variant has not been reported in the literature in individuals affected with EYA4-related conditions. This sequence change falls in intron 12 of the EYA4 gene. It does not directly change the encoded amino acid sequence of the EYA4 protein. It affects a nucleotide within the consensus splice site. This variant is not present in population databases (gnomAD no frequency). ClinVar contains an entry for this variant (Variation ID: 1515305). Variants that disrupt the consensus splice site are a relatively common cause of aberrant splicing (PMID: 17576681, 9536098). Algorithms developed to predict the effect of sequence changes on RNA splicing suggest that this variant is not likely to affect RNA splicing. In summary, the available evidence is currently insufficient to determine the role of this variant in disease. Therefore, it has been classified as a Variant of Uncertain Significance.

Literature cited by the submitters: PubMed 17576681; PubMed 9536098.

NM_004100.5(EYA4):c.1107+4T>C

Gene: EYA4 (EYA transcriptional coactivator and phosphatase 4; plus strand). Cytogenetic location: 6q23.2.
Variant type: single nucleotide variant.
Coding change: c.1107+4T>C on transcript NM_004100.5 (MANE Select); 4 bases into the intron after coding-DNA position 1107, T replaced by C.
Molecular consequence: intron variant.
Genome position (GRCh38, 1-based): chr6:133,481,603, T>C. VCF-style: chr6-133481603-T-C. GRCh37 (hg19) VCF-style: chr6-133802741-T-C.
Other names: c.1125+4T>C (NM_001301013.2); c.1107+4T>C (NM_172105.4); c.1038+4T>C (NM_001370458.1, NM_172103.4); c.963+4T>C (NM_001370459.1); c.945+4T>C (NM_001301012.2).
Identifiers: ClinVar variation 1515305 (VCV001515305.6), dbSNP rs1408725969, ClinGen allele CA819216198.